The following is an entry in ClinVar:

ClinVar aggregate classification (germline): Likely benign. Review status: criteria provided, multiple submitters, no conflicts (2 of 4 stars). 2 submissions from 2 submitters: Likely benign (2). Last evaluated 2025-08-01.

Conditions:
Glycogen storage disease due to lactate dehydrogenase M-subunit deficiency (GSD11). Also called: Glycogen storage disease XI; GSD XI; LACTATE DEHYDROGENASE A DEFICIENCY. Identifiers: Orphanet 284426, MedGen C2931743, MONDO:0013047, OMIM 612933.

Allele frequency attached by ClinVar (database versions not stated): ExAC 0.00004; gnomAD exomes 0.00005; gnomAD 0.00010.
gnomAD v4.1: 43 of 1,612,782 alleles (0.0027%); highest among the groups gnomAD compares: South Asian, 0.021%; no homozygotes.

Submissions (2):

Labcorp Genetics (formerly Invitae), Labcorp
Classification: Likely benign for Glycogen storage disease due to lactate dehydrogenase M-subunit deficiency. Last evaluated: 2025-08-01. Review status: criteria provided, single submitter. Criteria: Invitae Variant Classification Sherloc (09022015). Collection method: clinical testing. Allele origin: germline.

GeneDx
Classification: Likely benign. Last evaluated: 2018-04-09. Review status: criteria provided, single submitter. Criteria: GeneDx Variant Classification (06012015). Collection method: clinical testing. Allele origin: germline. Affected: yes.
Comment: This variant is considered likely benign or benign based on one or more of the following criteria: it is a conservative change, it occurs at a poorly conserved position in the protein, it is predicted to be benign by multiple in silico algorithms, and/or has population frequency not consistent with disease.

NM_005566.4(LDHA):c.711-8T>A

Gene: LDHA (lactate dehydrogenase A; plus strand). Cytogenetic location: 11p15.1.
Variant type: single nucleotide variant.
Coding change: c.711-8T>A on transcript NM_005566.4 (MANE Select); 8 bases into the intron before coding-DNA position 711, T replaced by A.
Molecular consequence: intron variant.
Genome position (GRCh38, 1-based): chr11:18,405,441, T>A. VCF-style: chr11-18405441-T-A. GRCh37 (hg19) VCF-style: chr11-18426988-T-A.
Other names: c.710+1630T>A (NM_001165416.2); c.537-8T>A (NM_001135239.2); c.687+1653T>A (NM_001165415.2); c.798-8T>A (NM_001165414.2).
Identifiers: ClinVar variation 680917 (VCV000680917.4), dbSNP rs200483406, ClinGen allele CA5911377.